The following is an entry in ClinVar:

ClinVar aggregate classification (germline): Uncertain significance (1 of 4 stars; one submission).

Conditions:
Intellectual disability-facial dysmorphism syndrome due to SETD5 haploinsufficiency (MRD23). Also called: Intellectual developmental disorder, autosomal dominant 23. Identifiers: Orphanet 404440, MedGen C3810406, MONDO:0014336, OMIM 615761.

Submission:

Institute of Human Genetics, University of Leipzig Medical Center
Classification: Uncertain significance for Intellectual disability-facial dysmorphism syndrome due to SETD5 haploinsufficiency. Last evaluated: 2025-09-17. Review status: criteria provided, single submitter. Criteria: ACMG Guidelines, 2015. Collection method: clinical testing. Allele origin: unknown. Inheritance: Autosomal dominant inheritance. Affected: yes.
Comment: Criteria applied: PM1,PM2,PP3

NM_001080517.3(SETD5):c.1078G>T (p.Val360Leu)

Gene: SETD5 (SET domain containing 5; plus strand). Cytogenetic location: 3p25.3.
Variant type: single nucleotide variant.
Coding change: c.1078G>T on transcript NM_001080517.3 (MANE Select); coding-DNA position 1078, G replaced by T.
Protein change: p.Val360Leu; replaces valine 360 with leucine.
Molecular consequence: missense variant.
Genome position (GRCh38, 1-based): chr3:9,443,308, G>T. VCF-style: chr3-9443308-G-T. GRCh37 (hg19) VCF-style: chr3-9484992-G-T.
Other names: c.784G>T, p.Val262Leu (NM_001292043.2, NM_001349451.2); c.1174G>T, p.Val392Leu (NM_001437633.1); c.1135G>T, p.Val379Leu (NM_001437635.1); c.1078G>T, p.Val360Leu (NM_001437643.1); c.1117G>T, p.Val373Leu (NM_001437701.1); short protein forms V262L, V360L, V373L, V379L, V392L.
Identifiers: ClinVar variation 4291116 (VCV004291116.1).